The following is an entry in ClinVar:

NM_015915.5(ATL1):c.11A>G (p.Asn4Ser)

Genes: ATL1 (atlastin GTPase 1; plus strand), MAP4K5 (mitogen-activated protein kinase kinase kinase kinase 5; minus strand). Cytogenetic location: 14q22.1.
Variant type: single nucleotide variant.
Coding change: c.11A>G on transcript NM_015915.5 (MANE Select); coding-DNA position 11, A replaced by G.
Protein change: p.Asn4Ser; replaces asparagine 4 with serine.
Molecular consequence: missense variant.
Genome position (GRCh38, 1-based): chr14:50,560,276, A>G. VCF-style: chr14-50560276-A-G. GRCh37 (hg19) VCF-style: chr14-51026994-A-G.
Other names: c.11A>G, p.Asn4Ser (NM_001127713.1, NM_181598.4); short protein forms N4S.
Identifiers: ClinVar variation 3624670 (VCV003624670.2).

ClinVar aggregate classification (germline): Uncertain significance (1 of 4 stars; one submission).

Conditions:
Hereditary spastic paraplegia 3A (SPG3A). Also called: Spastic paraplegia 3A, autosomal dominant; SPASTIC PARAPLEGIA 3, AUTOSOMAL DOMINANT; FAMILIAL SPASTIC PARAPLEGIA, AUTOSOMAL DOMINANT, 1; SPG3; STRUMPELL DISEASE; Spastic Paraplegia 3A. Identifiers: Orphanet 100984, MedGen C2931355, MONDO:0008437, OMIM 182600.

gnomAD v4.1: 1 of 1,613,998 alleles (0.000062%); highest among the groups gnomAD compares: Non-Finnish European, 0.000085%; no homozygotes.

Submission:

Labcorp Genetics (formerly Invitae), Labcorp
Classification: Uncertain significance for Hereditary spastic paraplegia 3A. Last evaluated: 2024-02-16. Review status: criteria provided, single submitter. Criteria: Invitae Variant Classification Sherloc (09022015). Collection method: clinical testing. Allele origin: germline.
Comment: This sequence change replaces asparagine, which is neutral and polar, with serine, which is neutral and polar, at codon 4 of the ATL1 protein (p.Asn4Ser). This variant is present in population databases (no rsID available, gnomAD 0.0009%). This variant has not been reported in the literature in individuals affected with ATL1-related conditions. Advanced modeling of protein sequence and biophysical properties (such as structural, functional, and spatial information, amino acid conservation, physicochemical variation, residue mobility, and thermodynamic stability) performed at Invitae indicates that this missense variant is not expected to disrupt ATL1 protein function with a negative predictive value of 95%. In summary, the available evidence is currently insufficient to determine the role of this variant in disease. Therefore, it has been classified as a Variant of Uncertain Significance.